The following is an entry in ClinVar:

ClinVar aggregate classification (germline): Uncertain significance (1 of 4 stars; one submission).

Submission:

CeGaT Center for Human Genetics Tuebingen
Classification: Uncertain significance. Last evaluated: 2024-05-01. Review status: criteria provided, single submitter. Criteria: CeGaT Center For Human Genetics Tuebingen Variant Classification Criteria Version 2. Collection method: clinical testing. Allele origin: germline. Affected: yes. Observed: 1 variant allele.
Comment: BDNF: PM2

NM_001709.5(BDNF):c.241G>T (p.Glu81Ter)

Genes: BDNF-AS (BDNF antisense RNA; plus strand), BDNF (brain derived neurotrophic factor; minus strand). Cytogenetic location: 11p14.1.
Variant type: single nucleotide variant.
Coding change: c.241G>T on transcript NM_001709.5 (MANE Select); coding-DNA position 241, G replaced by T.
Protein change: p.Glu81Ter; replaces glutamic acid 81 with a stop codon.
Molecular consequence: nonsense. On other transcripts: non-coding transcript variant (5).
Genome position (GRCh38, 1-based): chr11:27,658,324, C>A on the plus strand (G>T on the coding strand, the complement: BDNF is on the minus strand). VCF-style: chr11-27658324-C-A. GRCh37 (hg19) VCF-style: chr11-27679871-C-A.
Other names: c.241G>T, p.Glu81Ter (NM_001143805.1, NM_001143806.1, NM_001143807.2 and 9 more transcripts); c.328G>T, p.Glu110Ter (NM_001143809.2); c.487G>T, p.Glu163Ter (NM_001143810.2); c.265G>T, p.Glu89Ter (NM_170731.5); c.286G>T, p.Glu96Ter (NM_170734.4); short protein forms E110*, E163*, E81*, E89*, E96*.
Identifiers: ClinVar variation 3239466 (VCV003239466.19), dbSNP rs2538963840.